The following is an entry in ClinVar:

ClinVar aggregate classification (germline): Uncertain significance (1 of 4 stars; one submission).

Allele frequency attached by ClinVar (database versions not stated): TOPMed below 0.00001; ExAC 0.00001; gnomAD 0.00001; gnomAD exomes 0.00001.
gnomAD v4.1: 20 of 1,614,032 alleles (0.0012%); highest among the groups gnomAD compares: Non-Finnish European, 0.0017%; no homozygotes.

Submission:

Labcorp Genetics (formerly Invitae), Labcorp
Classification: Uncertain significance. Last evaluated: 2025-06-22. Review status: criteria provided, single submitter. Criteria: Invitae Variant Classification Sherloc (09022015). Collection method: clinical testing. Allele origin: germline.
Comment: This sequence change replaces proline, which is neutral and non-polar, with leucine, which is neutral and non-polar, at codon 68 of the OPN1SW protein (p.Pro68Leu). This variant is present in population databases (rs746791972, gnomAD 0.002%). This variant has not been reported in the literature in individuals affected with OPN1SW-related conditions. ClinVar contains an entry for this variant (Variation ID: 2169048). An algorithm developed to predict the effect of missense changes on protein structure and function (PolyPhen-2) suggests that this variant is likely to be disruptive. In summary, the available evidence is currently insufficient to determine the role of this variant in disease. Therefore, it has been classified as a Variant of Uncertain Significance.

NM_001385125.1(OPN1SW):c.194C>T (p.Pro65Leu)

Gene: OPN1SW (opsin 1, short wave sensitive; minus strand). Cytogenetic location: 7q32.1.
Variant type: single nucleotide variant.
Coding change: c.194C>T on transcript NM_001385125.1 (MANE Select); coding-DNA position 194, C replaced by T.
Protein change: p.Pro65Leu; replaces proline 65 with leucine.
Molecular consequence: missense variant.
Genome position (GRCh38, 1-based): chr7:128,775,588, G>A on the plus strand (C>T on the coding strand, the complement: OPN1SW is on the minus strand). VCF-style: chr7-128775588-G-A. GRCh37 (hg19) VCF-style: chr7-128415642-G-A.
Other names: short protein forms P65L.
Identifiers: ClinVar variation 2169048 (VCV002169048.4), dbSNP rs746791972, ClinGen allele CA4473034.